The following is an entry in ClinVar:

NM_001099922.3(ALG13):c.74G>A (p.Ser25Asn)

Gene: ALG13 (ALG13 UDP-N-acetylglucosaminyltransferase subunit; plus strand). Cytogenetic location: Xq23.
Variant type: single nucleotide variant.
Coding change: c.74G>A on transcript NM_001099922.3 (MANE Select); coding-DNA position 74, G replaced by A.
Protein change: p.Ser25Asn; replaces serine 25 with asparagine.
Molecular consequence: missense variant. On other transcripts: 5 prime UTR variant (9), non-coding transcript variant (3).
Genome position (GRCh38, 1-based): chrX:111,681,292, G>A. VCF-style: chrX-111681292-G-A. GRCh37 (hg19) VCF-style: chrX-110924520-G-A.
Other names: c.74G>A, p.Ser25Asn (NM_001039210.5, NM_001168385.3, NM_001324290.2 and 2 more transcripts); c.-135G>A (NM_001257230.2, NM_001324291.2); c.-227G>A (NM_001257231.2, NM_001257241.3); c.-260G>A (NM_001257234.2, NM_001257235.3); c.-364G>A (NM_001257237.2, NM_001257240.3, NM_001324293.1); short protein forms S25N.
Identifiers: ClinVar variation 386579 (VCV000386579.8), dbSNP rs1057522540, ClinGen allele CA16609113.
Genomic context (GRCh38, chrX:111,681,292, plus strand): 5'-TTGTTACCGTAGGGACCACCAGCTTTGACGACCTCATTGCGTGTGTGTCGGCGCCCGACA[G>A]TCTGCAAGTGAGTGAGGGAGGCGAGCAGGCGGCGGCTTGGCTCGCCACCCGCCATCTCCG-3'
Protein context (NP_001093392.1, residues 15-35): DLIACVSAPD[Ser25Asn]LQKIESLGYN

ClinVar aggregate classification (germline): Uncertain significance. Review status: criteria provided, multiple submitters, no conflicts (2 of 4 stars). 3 submissions from 3 submitters: Uncertain significance (3). Last evaluated 2025-04-01.

Conditions:
Developmental and epileptic encephalopathy, 36 (DEE36). Also called: Epileptic encephalopathy, early infantile, 36; ALG13-CDG; Congenital disorder of glycosylation, type Is. Identifiers: Orphanet 324422, MedGen C4317295, MONDO:0010472, OMIM 300884.

Allele frequency attached by ClinVar (database versions not stated): gnomAD exomes 0.00001.

Submissions (3):

Labcorp Genetics (formerly Invitae), Labcorp
Classification: Uncertain significance for Developmental and epileptic encephalopathy, 36. Last evaluated: 2025-04-01. Review status: criteria provided, single submitter. Criteria: Invitae Variant Classification Sherloc (09022015). Collection method: clinical testing. Allele origin: germline.
Comment: This sequence change replaces serine, which is neutral and polar, with asparagine, which is neutral and polar, at codon 25 of the ALG13 protein (p.Ser25Asn). This variant is not present in population databases (gnomAD no frequency). This variant has not been reported in the literature in individuals affected with ALG13-related conditions. ClinVar contains an entry for this variant (Variation ID: 386579). Invitae Evidence Modeling of protein sequence and biophysical properties (such as structural, functional, and spatial information, amino acid conservation, physicochemical variation, residue mobility, and thermodynamic stability) indicates that this missense variant is not expected to disrupt ALG13 protein function with a negative predictive value of 95%. In summary, the available evidence is currently insufficient to determine the role of this variant in disease. Therefore, it has been classified as a Variant of Uncertain Significance.

Fulgent Genetics
Classification: Uncertain significance for Developmental and epileptic encephalopathy, 36. Last evaluated: 2021-08-25. Review status: criteria provided, single submitter. Criteria: ACMG Guidelines, 2015. Collection method: clinical testing. Allele origin: unknown.

GeneDx
Classification: Uncertain significance. Last evaluated: 2016-05-31. Review status: criteria provided, single submitter. Criteria: GeneDx Variant Classification (06012015). Collection method: clinical testing. Allele origin: germline. Affected: yes.
Comment: A variant of uncertain significance has been identified in the ALG13 gene. The S25N variant has not been published as a pathogenic variant, nor has it been reported as a benign variant to our knowledge. It was not observed in approximately 6,500 individuals of European and African American ancestry in the NHLBI Exome Sequencing Project, indicating it is not a common benign variant in these populations. The S25N variant is a conservative amino acid substitution, which is not likely to impact secondary protein structure as these residues share similar properties. This substitution occurs at a position that is not conserved, and in silico analysis predicts this variant likely does not alter the protein structure/function. Based on the currently available information, it is unclear whether this variant is a pathogenic variant or a rare benign variant.